The following is an entry in ClinVar:

ClinVar aggregate classification (germline): Likely benign (1 of 4 stars; one submission).

Submission:

CeGaT Center for Human Genetics Tuebingen
Classification: Likely benign. Last evaluated: 2022-12-01. Review status: criteria provided, single submitter. Criteria: CeGaT Center For Human Genetics Tuebingen Variant Classification Criteria Version 2. Collection method: clinical testing. Allele origin: germline. Affected: yes. Observed: 1 variant allele.
Comment: MDGA1: PM2:Supporting, BP4, BP7

NM_153487.4(MDGA1):c.135G>A (p.Glu45=)

Gene: MDGA1 (MAM domain containing glycosylphosphatidylinositol anchor 1; minus strand). Cytogenetic location: 6p21.2.
Variant type: single nucleotide variant.
Coding change: c.135G>A on transcript NM_153487.4 (MANE Select); coding-DNA position 135, G replaced by A.
Protein change: p.Glu45=; no amino-acid change (glutamic acid 45 retained).
Molecular consequence: synonymous variant.
Genome position (GRCh38, 1-based): chr6:37,664,039, C>T on the plus strand (G>A on the coding strand, the complement: MDGA1 is on the minus strand). VCF-style: chr6-37664039-C-T. GRCh37 (hg19) VCF-style: chr6-37631815-C-T.
Identifiers: ClinVar variation 2656527 (VCV002656527.24), dbSNP rs2482020636, ClinGen allele CA449992178.